The following is an entry in ClinVar:

NM_012470.4(TNPO3):c.1763A>T (p.Gln588Leu)

Gene: TNPO3 (transportin 3; minus strand). Cytogenetic location: 7q32.1.
Variant type: single nucleotide variant.
Coding change: c.1763A>T on transcript NM_012470.4 (MANE Select); coding-DNA position 1763, A replaced by T.
Protein change: p.Gln588Leu; replaces glutamine 588 with leucine.
Molecular consequence: missense variant. On other transcripts: non-coding transcript variant (18).
Genome position (GRCh38, 1-based): chr7:128,984,187, T>A on the plus strand (A>T on the coding strand, the complement: TNPO3 is on the minus strand). VCF-style: chr7-128984187-T-A. GRCh37 (hg19) VCF-style: chr7-128624241-T-A.
Other names: c.1571A>T, p.Gln524Leu (NM_001191028.3, NM_001382223.1); c.1865A>T, p.Gln622Leu (NM_001382216.1); c.1844A>T, p.Gln615Leu (NM_001382217.1); c.1763A>T, p.Gln588Leu (NM_001382218.1, NM_001382220.1); c.1655A>T, p.Gln552Leu (NM_001382219.1); c.1619A>T, p.Gln540Leu (NM_001382221.1); c.1616A>T, p.Gln539Leu (NM_001382222.1); short protein forms Q540L, Q588L, Q615L, Q552L, Q524L, Q539L, Q622L.
Identifiers: ClinVar variation 3666293 (VCV003666293.2).

ClinVar aggregate classification (germline): Uncertain significance (1 of 4 stars; one submission).

Conditions:
Autosomal dominant limb-girdle muscular dystrophy type 1F (LGMDD2). Also called: Limb-girdle muscular dystrophy, type 1F; MUSCULAR DYSTROPHY, LIMB-GIRDLE, AUTOSOMAL DOMINANT 2. Identifiers: Orphanet 55595, MedGen C1842062, MONDO:0012034, OMIM 608423.

gnomAD v4.1: 1 of 1,610,294 alleles (0.000062%); highest among the groups gnomAD compares: Non-Finnish European, 0.000085%; no homozygotes.

Submission:

Labcorp Genetics (formerly Invitae), Labcorp
Classification: Uncertain significance for Autosomal dominant limb-girdle muscular dystrophy type 1F. Last evaluated: 2024-11-10. Review status: criteria provided, single submitter. Criteria: Invitae Variant Classification Sherloc (09022015). Collection method: clinical testing. Allele origin: germline.
Comment: This sequence change replaces glutamine, which is neutral and polar, with leucine, which is neutral and non-polar, at codon 588 of the TNPO3 protein (p.Gln588Leu). This variant is not present in population databases (gnomAD no frequency). This variant has not been reported in the literature in individuals affected with TNPO3-related conditions. Invitae Evidence Modeling of protein sequence and biophysical properties (such as structural, functional, and spatial information, amino acid conservation, physicochemical variation, residue mobility, and thermodynamic stability) indicates that this missense variant is not expected to disrupt TNPO3 protein function with a negative predictive value of 80%. In summary, the available evidence is currently insufficient to determine the role of this variant in disease. Therefore, it has been classified as a Variant of Uncertain Significance.